The following is an entry in ClinVar:

ClinVar aggregate classification (germline): Uncertain significance. Review status: criteria provided, multiple submitters, no conflicts (2 of 4 stars). 2 submissions from 2 submitters: Uncertain significance (2). Last evaluated 2025-07-24.

Conditions:
Autosomal recessive limb-girdle muscular dystrophy type 2J (LGMDR10). Also called: MUSCULAR DYSTROPHY, LIMB-GIRDLE, AUTOSOMAL RECESSIVE 10; Limb-girdle muscular dystrophy, type 2J. Identifiers: Orphanet 140922, MedGen C1837342, MONDO:0012127, OMIM 608807.
Dilated cardiomyopathy 1G (CMD1G). Identifiers: Orphanet 154, MedGen C1858763, MONDO:0011400, OMIM 604145.

gnomAD v4.1: 2 of 1,603,354 alleles (0.00012%); highest among the groups gnomAD compares: African/African-American, 0.0027%; no homozygotes.

Submissions (2):

Women's Health and Genetics/Laboratory Corporation of America, LabCorp
Classification: Uncertain significance. Last evaluated: 2025-07-24. Review status: criteria provided, single submitter. Criteria: LabCorp Variant Classification Summary - May 2015. Collection method: clinical testing. Allele origin: germline.

Labcorp Genetics (formerly Invitae), Labcorp
Classification: Uncertain significance for Dilated cardiomyopathy 1G; Autosomal recessive limb-girdle muscular dystrophy type 2J. Last evaluated: 2024-08-19. Review status: criteria provided, single submitter. Criteria: Invitae Variant Classification Sherloc (09022015). Collection method: clinical testing. Allele origin: germline.
Comment: This sequence change replaces proline, which is neutral and non-polar, with alanine, which is neutral and non-polar, at codon 35741 of the TTN protein (p.Pro35741Ala). This variant is not present in population databases (gnomAD no frequency). This variant has not been reported in the literature in individuals affected with TTN-related conditions. ClinVar contains an entry for this variant (Variation ID: 850418). Experimental studies and prediction algorithms are not available or were not evaluated, and the functional significance of this variant is currently unknown. This variant is located in the M band of TTN (PMID: 25589632). Non-truncating variants in this region may be relevant for neuromuscular disorders, but have not been definitively shown to cause cardiomyopathy (PMID: 23975875). In summary, the available evidence is currently insufficient to determine the role of this variant in disease. Therefore, it has been classified as a Variant of Uncertain Significance.

Literature cited by the submitters: PubMed 25589632 (cited by Labcorp Genetics (formerly Invitae), Labcorp); PubMed 23975875 (cited by Labcorp Genetics (formerly Invitae), Labcorp).

NM_001267550.2(TTN):c.107221C>G (p.Pro35741Ala)

Genes: TTN-AS1 (TTN antisense RNA 1; plus strand), TTN (titin; minus strand). Cytogenetic location: 2q31.2.
Variant type: single nucleotide variant.
Coding change: c.107221C>G on transcript NM_001267550.2 (MANE Select); coding-DNA position 107221, C replaced by G.
Protein change: p.Pro35741Ala; replaces proline 35741 with alanine.
Molecular consequence: missense variant.
Genome position (GRCh38, 1-based): chr2:178,528,530, G>C on the plus strand (C>G on the coding strand, the complement: TTN is on the minus strand). VCF-style: chr2-178528530-G-C. GRCh37 (hg19) VCF-style: chr2-179393257-G-C.
Other names: c.102298C>G, p.Pro34100Ala (NM_001256850.1); c.80026C>G, p.Pro26676Ala (NM_003319.4); c.99517C>G, p.Pro33173Ala (NM_133378.4); c.80401C>G, p.Pro26801Ala (NM_133432.3); c.80602C>G, p.Pro26868Ala (NM_133437.4); short protein forms P35741A, P26801A, P33173A, P26676A, P26868A, P34100A.
Identifiers: ClinVar variation 850418 (VCV000850418.5), dbSNP rs1455118621, ClinGen allele CA349401557.
Genomic context (GRCh38, chr2:178,528,530, plus strand): 5'-ATGTGGAAGACATGGTATTTTAGTTTTTCTTCAATAATATATTCATAATTAAACTTACTG[G>C]CAGGTTGTTTTTAAACCATTCGATTTCAGGGGATGGCTCGCCACTGATTTCACAAGTAAA-3'
Protein context (NP_001254479.2, residues 35731-35751): PEIEWFKNNL[Pro35741Ala]ISISSNVSIS